The following is an entry in ClinVar:

ClinVar aggregate classification (germline): Uncertain significance (1 of 4 stars; one submission).

Conditions:
Hereditary cancer-predisposing syndrome. Also called: Neoplastic Syndromes, Hereditary; Tumor predisposition; Hereditary Cancer Syndrome; Hereditary neoplastic syndrome. Identifiers: Orphanet 140162, MedGen C0027672, MeSH D009386, MONDO:0015356.

Submission:

Color Diagnostics, LLC DBA Color Health
Classification: Uncertain significance for Hereditary cancer-predisposing syndrome. Last evaluated: 2025-02-23. Review status: criteria provided, single submitter. Criteria: ACMG Guidelines, 2015. Collection method: clinical testing. Allele origin: germline.
Comment: This missense variant replaces asparagine with aspartic acid at codon 1255 of the APC protein. Computational prediction suggests that this variant may not impact protein structure and function (internally defined REVEL score threshold <= 0.5, PMID: 27666373). To our knowledge, functional studies have not been reported for this variant. This variant has not been reported in individuals affected with APC-related disorders in the literature. This variant has not been identified in the general population by the Genome Aggregation Database (gnomAD). The available evidence is insufficient to determine the role of this variant in disease conclusively. Therefore, this variant is classified as a Variant of Uncertain Significance.

NM_000038.6(APC):c.3763A>G (p.Asn1255Asp)

Gene: APC (APC regulator of Wnt signaling pathway; plus strand). Cytogenetic location: 5q22.2.
Variant type: single nucleotide variant.
Coding change: c.3763A>G on transcript NM_000038.6 (MANE Select); coding-DNA position 3763, A replaced by G.
Protein change: p.Asn1255Asp; replaces asparagine 1255 with aspartic acid.
Molecular consequence: missense variant. On other transcripts: non-coding transcript variant (2).
Genome position (GRCh38, 1-based): chr5:112,839,357, A>G. VCF-style: chr5-112839357-A-G. GRCh37 (hg19) VCF-style: chr5-112175054-A-G.
Other names: c.3763A>G, p.Asn1255Asp (NM_001127510.3, NM_001354895.2, NM_001407450.1); c.3709A>G, p.Asn1237Asp (NM_001127511.3); c.3817A>G, p.Asn1273Asp (NM_001354896.2, NM_001407447.1, NM_001407448.1 and 1 more transcripts); c.3793A>G, p.Asn1265Asp (NM_001354897.2); c.3688A>G, p.Asn1230Asp (NM_001354898.2); c.3679A>G, p.Asn1227Asp (NM_001354899.2); c.3640A>G, p.Asn1214Asp (NM_001354900.2); c.3586A>G, p.Asn1196Asp (NM_001354901.2, NM_001407453.1); and 11 more; short protein forms N1095D, N1126D, N1129D, N1154D, N1164D, N1172D, N1196D, N1214D.
Identifiers: ClinVar variation 3893910 (VCV003893910.1).